The following is an entry in ClinVar:

NM_080473.5(GATA5):c.695G>T (p.Arg232Leu)

Gene: GATA5 (GATA binding protein 5; minus strand). Cytogenetic location: 20q13.33.
Variant type: single nucleotide variant.
Coding change: c.695G>T on transcript NM_080473.5 (MANE Select); coding-DNA position 695, G replaced by T.
Protein change: p.Arg232Leu; replaces arginine 232 with leucine.
Molecular consequence: missense variant.
Genome position (GRCh38, 1-based): chr20:62,473,407, C>A on the plus strand (G>T on the coding strand, the complement: GATA5 is on the minus strand). VCF-style: chr20-62473407-C-A. GRCh37 (hg19) VCF-style: chr20-61048463-C-A.
Other names: c.695G>T (NM_080473.4); short protein forms R232L.
Identifiers: ClinVar variation 1488003 (VCV001488003.7), dbSNP rs753656900, ClinGen allele CA409554691.

ClinVar aggregate classification (germline): Uncertain significance. Review status: criteria provided, multiple submitters, no conflicts (2 of 4 stars). 2 submissions from 2 submitters: Uncertain significance (2). Last evaluated 2023-08-03.

gnomAD v4.1: 2 of 1,603,840 alleles (0.00012%); highest among the groups gnomAD compares: African/African-American, 0.0027%; no homozygotes.

Submissions (2):

Women's Health and Genetics/Laboratory Corporation of America, LabCorp
Classification: Uncertain significance. Last evaluated: 2023-08-03. Review status: criteria provided, single submitter. Criteria: LabCorp Variant Classification Summary - May 2015. Collection method: clinical testing. Allele origin: germline.
Comment: Variant summary: GATA5 c.695G>T (p.Arg232Leu) results in a non-conservative amino acid change located in the Zinc finger, GATA-type (IPR000679) of the encoded protein sequence. Five of five in-silico tools predict a damaging effect of the variant on protein function. The variant was absent in 231446 control chromosomes (gnomAD). The available data on variant occurrences in the general population are insufficient to allow any conclusion about variant significance. To our knowledge, no occurrence of c.695G>T in individuals affected with Congenital Heart Defects, Multiple Types, 5 and no experimental evidence demonstrating its impact on protein function have been reported. One submitter has cited a clinical-significance assessment for this variant to ClinVar after 2014 and has classified the variant as uncertain significance. Based on the evidence outlined above, the variant was classified as uncertain significance.

Labcorp Genetics (formerly Invitae), Labcorp
Classification: Uncertain significance. Last evaluated: 2023-06-24. Review status: criteria provided, single submitter. Criteria: Invitae Variant Classification Sherloc (09022015). Collection method: clinical testing. Allele origin: germline.
Comment: ClinVar contains an entry for this variant (Variation ID: 1488003). Advanced modeling of protein sequence and biophysical properties (such as structural, functional, and spatial information, amino acid conservation, physicochemical variation, residue mobility, and thermodynamic stability) performed at Invitae indicates that this missense variant is expected to disrupt GATA5 protein function. In summary, the available evidence is currently insufficient to determine the role of this variant in disease. Therefore, it has been classified as a Variant of Uncertain Significance. This sequence change replaces arginine, which is basic and polar, with leucine, which is neutral and non-polar, at codon 232 of the GATA5 protein (p.Arg232Leu). This variant is not present in population databases (gnomAD no frequency). This variant has not been reported in the literature in individuals affected with GATA5-related conditions.